The following is an entry in ClinVar:

NM_001134673.4(NFIA):c.963del (p.Thr322fs)

Gene: NFIA (nuclear factor I A; plus strand). Cytogenetic location: 1p31.3.
Variant type: Deletion.
Coding change: c.963del on transcript NM_001134673.4 (MANE Select); coding-DNA position 963, one base deleted (C; older notation c.963delC).
Protein change: p.Thr322fs; shifts the reading frame from threonine 322.
Molecular consequence: frameshift variant.
Genome position (GRCh38, 1-based): chr1:61,383,253, C deleted; the last of 2 consecutive C bases (chr1:61,383,252-61,383,253); deleting either gives the same sequence. VCF-style (leftmost placement, unchanged base first): chr1-61383251-AC-A. GRCh37 (hg19) VCF-style: chr1-61848923-AC-A.
Other names: c.939del, p.Thr314fs (NM_001145511.2); c.1098del, p.Thr367fs (NM_001145512.2); c.963del, p.Thr322fs (NM_005595.5); short protein forms T314fs, T322fs, T367fs.
Identifiers: ClinVar variation 3382221 (VCV003382221.2).

ClinVar aggregate classification (germline): Likely pathogenic (1 of 4 stars; one submission).

Conditions:
Brain malformations with or without urinary tract defects. Also called: Brain malformations and urinary tract defects. Identifiers: MedGen C4478940, MONDO:0100478, OMIM 613735.

Submission:

Juno Genomics, Hangzhou Juno Genomics, Inc
Classification: Likely pathogenic for Brain malformations with or without urinary tract defects. Review status: criteria provided, single submitter. Criteria: ACMG Guidelines, 2015. Collection method: clinical testing. Allele origin: germline. Affected: yes.
Comment: Absent from controls (or at extremely low frequency if recessive) in Genome Aggregation Database, Exome Sequencing Project, 1000 Genomes Project, or Exome Aggregation Consortium.;Null variant in a gene where loss of function (LOF) is a known mechanism of disease.